The following is an entry in ClinVar:

ClinVar aggregate classification (germline): Uncertain significance (1 of 4 stars; one submission).

gnomAD v4.1: 5 of 1,610,360 alleles (0.00031%); highest among the groups gnomAD compares: Admixed American, 0.0017%; no homozygotes.

Submission:

GeneDx
Classification: Uncertain significance. Last evaluated: 2025-07-06. Review status: criteria provided, single submitter. Criteria: GeneDx Variant Classification Process June 2021. Collection method: clinical testing. Allele origin: germline. Affected: yes.
Comment: Not observed at significant frequency in large population cohorts (gnomAD); In silico analysis supports that this missense variant has a deleterious effect on protein structure/function; Has not been previously published as pathogenic or benign to our knowledge

NM_002206.3(ITGA7):c.218G>C (p.Gly73Ala)

Gene: ITGA7 (integrin subunit alpha 7; minus strand). Cytogenetic location: 12q13.2.
Variant type: single nucleotide variant.
Coding change: c.218G>C on transcript NM_002206.3 (MANE Select); coding-DNA position 218, G replaced by C.
Protein change: p.Gly73Ala; replaces glycine 73 with alanine.
Molecular consequence: missense variant. On other transcripts: 5 prime UTR variant (3), intron variant (1).
Genome position (GRCh38, 1-based): chr12:55,703,167, C>G on the plus strand (G>C on the coding strand, the complement: ITGA7 is on the minus strand). VCF-style: chr12-55703167-C-G. GRCh37 (hg19) VCF-style: chr12-56096951-C-G.
Other names: c.218G>C, p.Gly73Ala (NM_001144996.2, NM_001374465.1, NM_001410977.1 and 6 more transcripts); c.-122G>C (NM_001367993.1, NM_001414035.1); c.-955G>C (NM_001367994.1); c.86-1751G>C (NM_001144997.2); short protein forms G73A.
Identifiers: ClinVar variation 4685226 (VCV004685226.1).